The following is an entry in ClinVar:

ClinVar aggregate classification (germline): Uncertain significance. Review status: criteria provided, multiple submitters, no conflicts (2 of 4 stars). 3 submissions from 3 submitters: Uncertain significance (3). Last evaluated 2025-06-30.

Conditions:
MEN1-related disorder. Also called: MEN1-related condition.
Hereditary cancer-predisposing syndrome. Also called: Neoplastic Syndromes, Hereditary; Hereditary neoplastic syndrome; Hereditary Cancer Syndrome; Tumor predisposition. Identifiers: Orphanet 140162, MedGen C0027672, MeSH D009386, MONDO:0015356.
Multiple endocrine neoplasia, type 1 (MEN1). Also called: Endocrine adenomatosis multiple; MEN 1; MEA I; MEN I; WERMER SYNDROME. Identifiers: Orphanet 652, MedGen C0025267, MeSH D018761, MONDO:0007540, OMIM 131100.

Allele frequency attached by ClinVar (database versions not stated): gnomAD exomes below 0.00001; ExAC 0.00001.

Submissions (3):

PreventionGenetics, part of Exact Sciences
Classification: Uncertain significance for MEN1-related condition. Last evaluated: 2025-06-30. Review status: criteria provided, single submitter. Criteria: ACMG Guidelines, 2015. Collection method: clinical testing. Allele origin: germline.
Comment: The MEN1 c.1510G>A variant is predicted to result in the amino acid substitution p.Ala504Thr. To our knowledge, this variant has not been reported in the literature. This variant is reported in 0.0034% of alleles in individuals of South Asian descent in gnomAD and is classified as a variant of uncertain significance in ClinVar (Variation ID: 1692067). At this time, the clinical significance of this variant is uncertain due to the absence of conclusive functional and genetic evidence.

Labcorp Genetics (formerly Invitae), Labcorp
Classification: Uncertain significance for Multiple endocrine neoplasia, type 1. Last evaluated: 2023-09-27. Review status: criteria provided, single submitter. Criteria: Invitae Variant Classification Sherloc (09022015). Collection method: clinical testing. Allele origin: germline.
Comment: This sequence change replaces alanine, which is neutral and non-polar, with threonine, which is neutral and polar, at codon 499 of the MEN1 protein (p.Ala499Thr). The frequency data for this variant in the population databases is considered unreliable, as metrics indicate poor data quality at this position in the gnomAD database. This variant has not been reported in the literature in individuals affected with MEN1-related conditions. ClinVar contains an entry for this variant (Variation ID: 1692067). Advanced modeling of protein sequence and biophysical properties (such as structural, functional, and spatial information, amino acid conservation, physicochemical variation, residue mobility, and thermodynamic stability) has been performed at Invitae for this missense variant, however the output from this modeling did not meet the statistical confidence thresholds required to predict the impact of this variant on MEN1 protein function. In summary, the available evidence is currently insufficient to determine the role of this variant in disease. Therefore, it has been classified as a Variant of Uncertain Significance.

Sema4
Classification: Uncertain significance for Hereditary cancer-predisposing syndrome. Last evaluated: 2021-09-11. Review status: criteria provided, single submitter. Criteria: Sema4 Curation Guidelines. Collection method: curation. Allele origin: germline.
Comment: The MEN1 c.1495G>A (p.A499T) variant has not been reported in the literature to our knowledge. It was observed in 1/29660 chromosomes of the South Asian subpopulation in the Genome Aggregation Database (PMID: 32461654). The variant has not been reported in ClinVar. Functional studies have not been performed, and in silico predictions of the variant's effect on protein function are inconclusive. The evidence is insufficient to meet ACMG/AMP criteria for classifying the variant as benign or pathogenic. Thus, the clinical significance of this variant is currently uncertain.

NM_001370259.2(MEN1):c.1495G>A (p.Ala499Thr)

Gene: MEN1 (menin 1; minus strand). Cytogenetic location: 11q13.1.
Variant type: single nucleotide variant.
Coding change: c.1495G>A on transcript NM_001370259.2 (MANE Select); coding-DNA position 1495, G replaced by A.
Protein change: p.Ala499Thr; replaces alanine 499 with threonine.
Molecular consequence: missense variant.
Genome position (GRCh38, 1-based): chr11:64,804,672, C>T on the plus strand (G>A on the coding strand, the complement: MEN1 is on the minus strand). VCF-style: chr11-64804672-C-T. GRCh37 (hg19) VCF-style: chr11-64572144-C-T.
Other names: c.1510G>A (NM_000244.3); c.1510G>A, p.Ala504Thr (NM_130800.3, NM_130801.3, NM_130802.3 and 3 more transcripts); c.1621G>A, p.Ala541Thr (NM_001370251.2); c.1495G>A, p.Ala499Thr (NM_001370260.2, NM_001370261.2, NM_130799.3); c.1390G>A, p.Ala464Thr (NM_001370262.2, NM_001370263.2); short protein forms A464T, A499T, A504T, A541T.
Identifiers: ClinVar variation 1692067 (VCV001692067.7), dbSNP rs761517398, ClinGen allele CA060698.